The following is an entry in ClinVar:

NM_001142800.2(EYS):c.4624A>G (p.Lys1542Glu)

Gene: EYS (EGF-like photoreceptor maintenance factor; minus strand). Cytogenetic location: 6q12.
Variant type: single nucleotide variant.
Coding change: c.4624A>G on transcript NM_001142800.2 (MANE Select); coding-DNA position 4624, A replaced by G.
Protein change: p.Lys1542Glu; replaces lysine 1542 with glutamic acid.
Molecular consequence: missense variant.
Genome position (GRCh38, 1-based): chr6:64,591,243, T>C on the plus strand (A>G on the coding strand, the complement: EYS is on the minus strand). VCF-style: chr6-64591243-T-C. GRCh37 (hg19) VCF-style: chr6-65301136-T-C.
Other names: c.4624A>G, p.Lys1542Glu (NM_001292009.2); short protein forms K1542E.
Identifiers: ClinVar variation 2154388 (VCV002154388.2), dbSNP rs1301882038, ClinGen allele CA364782910.
Genomic context (GRCh38, chr6:64,591,243, plus strand): 5'-TCATAGAACATGTTGCACATGTTTGGCTTAATTCTCTTAAAGAATCAGCAGCCTGTGATT[T>C]GATGTTTGTGAGTCTCTGGTTGCTTGAAGCCTCAGTAATAGCCTGATATTCACTGGGATT-3'
Protein context (NP_001136272.1, residues 1532-1552): ASSNQRLTNI[Lys1542Glu]SQAADSLREL

ClinVar aggregate classification (germline): Uncertain significance. Review status: criteria provided, multiple submitters, no conflicts (2 of 4 stars). 2 submissions from 2 submitters: Uncertain significance (2). Last evaluated 2024-09-26.

Allele frequency attached by ClinVar (database versions not stated): gnomAD exomes below 0.00001; TOPMed 0.00001.
gnomAD v4.1: 3 of 1,551,464 alleles (0.00019%); highest among the groups gnomAD compares: Non-Finnish European, 0.00017%; no homozygotes.

Submissions (2):

Blueprint Genetics
Classification: Uncertain significance. Last evaluated: 2024-09-26. Review status: criteria provided, single submitter. Criteria: ACMG Guidelines, 2015. Collection method: clinical testing. Allele origin: germline.

Labcorp Genetics (formerly Invitae), Labcorp
Classification: Uncertain significance. Last evaluated: 2022-07-27. Review status: criteria provided, single submitter. Criteria: Invitae Variant Classification Sherloc (09022015). Collection method: clinical testing. Allele origin: germline.
Comment: This sequence change replaces lysine, which is basic and polar, with glutamic acid, which is acidic and polar, at codon 1542 of the EYS protein (p.Lys1542Glu). This variant is not present in population databases (gnomAD no frequency). This variant has not been reported in the literature in individuals affected with EYS-related conditions. Algorithms developed to predict the effect of missense changes on protein structure and function output the following: SIFT: "Tolerated"; PolyPhen-2: "Benign"; Align-GVGD: "Class C0". The glutamic acid amino acid residue is found in multiple mammalian species, which suggests that this missense change does not adversely affect protein function. In summary, the available evidence is currently insufficient to determine the role of this variant in disease. Therefore, it has been classified as a Variant of Uncertain Significance.